The following is an entry in ClinVar:

NM_003482.4(KMT2D):c.793C>T (p.Arg265Cys)

Gene: KMT2D (lysine methyltransferase 2D; minus strand). Cytogenetic location: 12q13.12.
Variant type: single nucleotide variant.
Coding change: c.793C>T on transcript NM_003482.4 (MANE Select); coding-DNA position 793, C replaced by T.
Protein change: p.Arg265Cys; replaces arginine 265 with cysteine.
Molecular consequence: missense variant.
Genome position (GRCh38, 1-based): chr12:49,053,522, G>A on the plus strand (C>T on the coding strand, the complement: KMT2D is on the minus strand). VCF-style: chr12-49053522-G-A. GRCh37 (hg19) VCF-style: chr12-49447305-G-A.
Other names: c.793C>T (NM_003482.3); short protein forms R265C.
Identifiers: ClinVar variation 811153 (VCV000811153.39), dbSNP rs766543419, ClinGen allele CA6548655.

ClinVar aggregate classification (germline): Conflicting classifications of pathogenicity. Review status: criteria provided, conflicting classifications (1 of 4 stars). 5 submissions from 5 submitters: Uncertain significance (2); Likely benign (2). 1 of the submissions does not count toward it. Last evaluated 2025-11-13.

Conditions:
Kabuki syndrome 1 (KABUK1). Also called: KMT2D-Related Kabuki Syndrome. Identifiers: Orphanet 2322, MedGen CN030661, MONDO:0007843, OMIM 147920.
Choanal atresia-athelia-hypothyroidism-delayed puberty-short stature syndrome (BCAHH). Also called: BRANCHIAL ARCH ABNORMALITIES, CHOANAL ATRESIA, ATHELIA, HEARING LOSS, AND HYPOTHYROIDISM SYNDROME. Identifiers: Orphanet 589856, MedGen C5680310, MONDO:0035651, OMIM 620186.
KMT2D-related disorder. Also called: KMT2D-Related Disorders.
Kabuki syndrome. Also called: NIIKAWA-KUROKI SYNDROME; Kabuki make-up syndrome. Identifiers: Orphanet 2322, MedGen C0796004, MONDO:0016512.

Allele frequency attached by ClinVar (database versions not stated): ExAC 0.00006; gnomAD exomes 0.00006 and 0.00010; TOPMed 0.00007; gnomAD 0.00009.
gnomAD v4.1: 158 of 1,606,430 alleles (0.0098%); highest among the groups gnomAD compares: Non-Finnish European, 0.012%; no homozygotes.

Submissions (5):

Labcorp Genetics (formerly Invitae), Labcorp
Classification: Likely benign for Kabuki syndrome. Last evaluated: 2025-11-13. Review status: criteria provided, single submitter. Criteria: Invitae Variant Classification Sherloc (09022015). Collection method: clinical testing. Allele origin: germline.

Fulgent Genetics
Classification: Likely benign for Kabuki syndrome 1; Choanal atresia-athelia-hypothyroidism-delayed puberty-short stature syndrome. Last evaluated: 2024-04-04. Review status: criteria provided, single submitter. Criteria: ACMG Guidelines, 2015. Collection method: clinical testing. Allele origin: germline.

CeGaT Center for Human Genetics Tuebingen
Classification: Uncertain significance. Last evaluated: 2022-09-01. Review status: criteria provided, single submitter. Criteria: CeGaT Center For Human Genetics Tuebingen Variant Classification Criteria Version 2. Collection method: clinical testing. Allele origin: germline. Affected: yes. Observed: 1 variant allele.
Comment: KMT2D: PP2, PP3

ARUP Laboratories, Molecular Genetics and Genomics, ARUP Laboratories
Classification: Uncertain significance for Kabuki syndrome 1. Last evaluated: 2018-09-20. Review status: criteria provided, single submitter. Criteria: ARUP Molecular Germline Variant Investigation Process. Collection method: clinical testing. Allele origin: germline.

PreventionGenetics, part of Exact Sciences
Classification: Uncertain significance for KMT2D-related condition. Last evaluated: 2024-02-13. Review status: no assertion criteria provided. Collection method: clinical testing. Allele origin: germline. Not counted in ClinVar's aggregate classification.
Comment: The KMT2D c.793C>T variant is predicted to result in the amino acid substitution p.Arg265Cys. To our knowledge, this variant has not been reported in the literature. This variant is reported in 0.010% of alleles in individuals of European (Non-Finnish) descent in gnomAD. At this time, the clinical significance of this variant is uncertain due to the absence of conclusive functional and genetic evidence.